The following is an entry in ClinVar:

ClinVar aggregate classification (germline): Uncertain significance (1 of 4 stars; one submission).

Conditions:
Intellectual developmental disorder, autosomal dominant 6, with or without seizures. Also called: GRIN2B-related developmental delay, intellectual disability and autism spectrum disorder; Intellectual disability, autosomal dominant 6. Identifiers: Orphanet 589547, MedGen C3151411, MONDO:0013509, OMIM 613970.
Developmental and epileptic encephalopathy, 27 (DEE27). Also called: Epileptic encephalopathy, early infantile, 27; GRIN2B-Related Neurodevelopmental Disorder. Identifiers: Orphanet 3451, MedGen C4015316, MONDO:0014505, OMIM 616139.

Allele frequency attached by ClinVar (database versions not stated): gnomAD exomes below 0.00001.
gnomAD v4.1: 2 of 1,613,844 alleles (0.00012%); highest among the groups gnomAD compares: East Asian, 0.0022%; no homozygotes.

Submission:

Labcorp Genetics (formerly Invitae), Labcorp
Classification: Uncertain significance for Developmental and epileptic encephalopathy, 27; Intellectual developmental disorder, autosomal dominant 6, with or without seizures. Last evaluated: 2023-10-29. Review status: criteria provided, single submitter. Criteria: Invitae Variant Classification Sherloc (09022015). Collection method: clinical testing. Allele origin: germline.
Comment: This sequence change replaces asparagine, which is neutral and polar, with serine, which is neutral and polar, at codon 159 of the GRIN2B protein (p.Asn159Ser). This variant is present in population databases (no rsID available, gnomAD 0.0009%). This variant has not been reported in the literature in individuals affected with GRIN2B-related conditions. Advanced modeling of protein sequence and biophysical properties (such as structural, functional, and spatial information, amino acid conservation, physicochemical variation, residue mobility, and thermodynamic stability) performed at Invitae indicates that this missense variant is not expected to disrupt GRIN2B protein function with a negative predictive value of 95%. In summary, the available evidence is currently insufficient to determine the role of this variant in disease. Therefore, it has been classified as a Variant of Uncertain Significance.

NM_000834.5(GRIN2B):c.476A>G (p.Asn159Ser)

Gene: GRIN2B (glutamate ionotropic receptor NMDA type subunit 2B; minus strand). Cytogenetic location: 12p13.1.
Variant type: single nucleotide variant.
Coding change: c.476A>G on transcript NM_000834.5 (MANE Select); coding-DNA position 476, A replaced by G.
Protein change: p.Asn159Ser; replaces asparagine 159 with serine.
Molecular consequence: missense variant.
Genome position (GRCh38, 1-based): chr12:13,753,851, T>C on the plus strand (A>G on the coding strand, the complement: GRIN2B is on the minus strand). VCF-style: chr12-13753851-T-C. GRCh37 (hg19) VCF-style: chr12-13906785-T-C.
Other names: c.476A>G, p.Asn159Ser (NM_001413992.1, NM_001413993.1, NM_001413994.1 and 1 more transcripts); short protein forms N159S.
Identifiers: ClinVar variation 2953372 (VCV002953372.3), dbSNP rs1328993938, ClinGen allele CA384054711.